The following is an entry in ClinVar:

NM_000059.4(BRCA2):c.3335C>T (p.Thr1112Ile)

Gene: BRCA2 (BRCA2 DNA repair associated; plus strand). Cytogenetic location: 13q13.1.
Variant type: single nucleotide variant.
Coding change: c.3335C>T on transcript NM_000059.4 (MANE Select); coding-DNA position 3335, C replaced by T.
Protein change: p.Thr1112Ile; replaces threonine 1112 with isoleucine.
Molecular consequence: missense variant.
Genome position (GRCh38, 1-based): chr13:32,337,690, C>T. VCF-style: chr13-32337690-C-T. GRCh37 (hg19) VCF-style: chr13-32911827-C-T.
Other names: c.3335C>T (NM_000059.3); short protein forms T1112I.
Identifiers: ClinVar variation 1495807 (VCV001495807.8), dbSNP rs2137495566, ClinGen allele CA387776291.

ClinVar aggregate classification (germline): Conflicting classifications of pathogenicity. Review status: criteria provided, conflicting classifications (1 of 4 stars). 3 submissions from 3 submitters: Uncertain significance (2); Likely benign (1). Last evaluated 2025-01-13.

Conditions:
Hereditary cancer-predisposing syndrome. Also called: Tumor predisposition; Hereditary neoplastic syndrome; Neoplastic Syndromes, Hereditary; Hereditary Cancer Syndrome. Identifiers: Orphanet 140162, MedGen C0027672, MeSH D009386, MONDO:0015356.
Hereditary breast ovarian cancer syndrome. Also called: BRCA1- and BRCA2-Associated Hereditary Breast and Ovarian Cancer; Hereditary breast and ovarian cancer; Hereditary breast and/or ovarian cancer syndrome; Hereditary breast and ovarian cancer syndrome; Hereditary breast and ovarian cancer syndrome (HBOC); Breast and ovarian cancer. Identifiers: Orphanet 145, MedGen C0677776, MeSH D061325, MONDO:0003582. Disease mechanism: loss of function.

Allele frequency attached by ClinVar (database versions not stated): gnomAD exomes below 0.00001.
gnomAD v4.1: 1 of 1,600,736 alleles (0.000062%); highest among the groups gnomAD compares: South Asian, 0.0011%; no homozygotes.

Submissions (3):

Ambry Genetics
Classification: Uncertain significance for Hereditary cancer-predisposing syndrome. Last evaluated: 2025-01-13. Review status: criteria provided, single submitter. Criteria: Ambry Variant Classification Scheme 2023. Collection method: clinical testing. Allele origin: germline.
Comment: The p.T1112I variant (also known as c.3335C>T), located in coding exon 10 of the BRCA2 gene, results from a C to T substitution at nucleotide position 3335. The threonine at codon 1112 is replaced by isoleucine, an amino acid with similar properties. This amino acid position is conserved. In addition, the in silico prediction for this alteration is inconclusive. Based on the available evidence, the clinical significance of this variant remains unclear.

University of Washington Department of Laboratory Medicine, University of Washington
Classification: Likely benign for Hereditary cancer-predisposing syndrome. Last evaluated: 2023-03-23. Review status: criteria provided, single submitter. Criteria: Dines et al. (Genet Med. 2020). Collection method: curation. Allele origin: germline.
Comment: Missense variant in a coldspot region where missense variants are very unlikely to be pathogenic (PMID:31911673).

BRCA2 exon 11 coldspot. Reclassification based on statistical prior probability.

Labcorp Genetics (formerly Invitae), Labcorp
Classification: Uncertain significance for Hereditary breast ovarian cancer syndrome. Last evaluated: 2021-10-10. Review status: criteria provided, single submitter. Criteria: Invitae Variant Classification Sherloc (09022015). Collection method: clinical testing. Allele origin: germline.
Comment: In summary, the available evidence is currently insufficient to determine the role of this variant in disease. Therefore, it has been classified as a Variant of Uncertain Significance. Advanced modeling of protein sequence and biophysical properties (such as structural, functional, and spatial information, amino acid conservation, physicochemical variation, residue mobility, and thermodynamic stability) performed at Invitae indicates that this missense variant is not expected to disrupt BRCA2 protein function. This variant has not been reported in the literature in individuals affected with BRCA2-related conditions. This variant is not present in population databases (ExAC no frequency). This sequence change replaces threonine with isoleucine at codon 1112 of the BRCA2 protein (p.Thr1112Ile). The threonine residue is moderately conserved and there is a moderate physicochemical difference between threonine and isoleucine.